The following is an entry in ClinVar:

ClinVar aggregate classification (germline): Uncertain significance (1 of 4 stars; one submission).

Conditions:
Cardiomyopathy (CMYO). Also called: Cardiomyopathies. Identifiers: Orphanet 167848, MedGen C0878544, MONDO:0004994, HP:0001638. Inheritance: Various modes of inheritance.

Submission:

Color Diagnostics, LLC DBA Color Health
Classification: Uncertain significance for Cardiomyopathy. Last evaluated: 2024-03-06. Review status: criteria provided, single submitter. Criteria: ACMG Guidelines, 2015. Collection method: clinical testing. Allele origin: germline.
Comment: This missense variant replaces leucine with valine at codon 764 of the MYBPC3 protein. Computational prediction suggests that this variant may not impact protein structure and function (internally defined REVEL score threshold <= 0.5, PMID: 27666373). To our knowledge, functional studies have not been reported for this variant. This variant has not been reported in individuals affected with cardiovascular disorders in the literature. This variant has not been identified in the general population by the Genome Aggregation Database (gnomAD). The available evidence is insufficient to determine the role of this variant in disease conclusively. Therefore, this variant is classified as a Variant of Uncertain Significance.

NM_000256.3(MYBPC3):c.2290C>G (p.Leu764Val)

Gene: MYBPC3 (myosin binding protein C3; minus strand). Cytogenetic location: 11p11.2.
Variant type: single nucleotide variant.
Coding change: c.2290C>G on transcript NM_000256.3 (MANE Select); coding-DNA position 2290, C replaced by G.
Protein change: p.Leu764Val; replaces leucine 764 with valine.
Molecular consequence: missense variant.
Genome position (GRCh38, 1-based): chr11:47,338,538, G>C on the plus strand (C>G on the coding strand, the complement: MYBPC3 is on the minus strand). VCF-style: chr11-47338538-G-C. GRCh37 (hg19) VCF-style: chr11-47360089-G-C.
Other names: short protein forms L764V.
Identifiers: ClinVar variation 1332028 (VCV001332028.3), dbSNP rs2095884916, ClinGen allele CA380320172.